The following is an entry in ClinVar:

NM_007375.4(TARDBP):c.239-15G>A

Gene: TARDBP (TAR DNA binding protein; plus strand). Cytogenetic location: 1p36.22.
Variant type: single nucleotide variant.
Coding change: c.239-15G>A on transcript NM_007375.4 (MANE Select); 15 bases into the intron before coding-DNA position 239, G replaced by A.
Molecular consequence: intron variant.
Genome position (GRCh38, 1-based): chr1:11,016,829, G>A. VCF-style: chr1-11016829-G-A. GRCh37 (hg19) VCF-style: chr1-11076886-G-A.
Identifiers: ClinVar variation 291736 (VCV000291736.13), dbSNP rs200066188, ClinGen allele CA586338.

ClinVar aggregate classification (germline): Likely benign. Review status: criteria provided, multiple submitters, no conflicts (2 of 4 stars). 4 submissions from 4 submitters: Likely benign (2). 2 of the submissions do not count toward it. Last evaluated 2026-01-17.

Conditions:
Amyotrophic lateral sclerosis type 10 (ALS10). Also called: AMYOTROPHIC LATERAL SCLEROSIS 10 WITHOUT FRONTOTEMPORAL DEMENTIA AND WITH TDP43 INCLUSIONS; AMYOTROPHIC LATERAL SCLEROSIS 10 WITH OR WITHOUT FRONTOTEMPORAL DEMENTIA AND WITH TDP43 INCLUSIONS; AMYOTROPHIC LATERAL SCLEROSIS 10 WITH OR WITHOUT FRONTOTEMPORAL DEMENTIA; TARDBP-Related Amyotrophic Lateral Sclerosis-Frontotemporal Dementia; Amyotrophic lateral sclerosis 10, with or without FTD. Identifiers: Orphanet 275872, Orphanet 803, MedGen C2677565, MONDO:0012790, OMIM 612069.
FRONTOTEMPORAL LOBAR DEGENERATION WITH TDP43 INCLUSIONS, TARDBP-RELATED. Also called: Frontotemporal lobar degeneration, TARDBP-related. Identifiers: MedGen C3150169, OMIM 612069.

Allele frequency attached by ClinVar (database versions not stated): 1000 Genomes Project 30x 0.00016; 1000 Genomes Project 0.00020; ExAC 0.00028; TOPMed 0.00028; gnomAD exomes 0.00030; gnomAD 0.00034; ESP Exome Variant Server 0.00069.
gnomAD v4.1: 804 of 1,613,336 alleles (0.05%); highest among the groups gnomAD compares: Non-Finnish European, 0.062%; no homozygotes.

Submissions (4):

Labcorp Genetics (formerly Invitae), Labcorp
Classification: Likely benign for Amyotrophic lateral sclerosis type 10; FRONTOTEMPORAL LOBAR DEGENERATION WITH TDP43 INCLUSIONS, TARDBP-RELATED. Last evaluated: 2026-01-17. Review status: criteria provided, single submitter. Criteria: Invitae Variant Classification Sherloc (09022015). Collection method: clinical testing. Allele origin: germline.

Illumina Laboratory Services, Illumina
Classification: Likely benign for Amyotrophic lateral sclerosis type 10. Last evaluated: 2018-01-13. Review status: criteria provided, single submitter. Criteria: ICSL Variant Classification Criteria 13 December 2019. Collection method: clinical testing. Allele origin: germline.
Comment: This variant was observed in the ICSL laboratory as part of a predisposition screen in an ostensibly healthy population. It had not been previously curated by ICSL or reported in the Human Gene Mutation Database (HGMD: prior to June 1st, 2018), and was therefore a candidate for classification through an automated scoring system. Utilizing variant allele frequency, disease prevalence and penetrance estimates, and inheritance mode, an automated score was calculated to assess if this variant is too frequent to cause the disease. Based on the score and internal cut-off values, a variant classified as likely benign is not then subjected to further curation. The score for this variant resulted in a classification of likely benign for this disease.

Genome Diagnostics Laboratory, Amsterdam University Medical Center
Classification: Likely benign. Review status: no assertion criteria provided. Collection method: clinical testing. Allele origin: germline. Affected: yes. Study: VKGL Data-share Consensus. Not counted in ClinVar's aggregate classification.

Genome Diagnostics Laboratory, University Medical Center Utrecht
Classification: Likely benign. Review status: no assertion criteria provided. Collection method: clinical testing. Allele origin: germline. Affected: yes. Study: VKGL Data-share Consensus. Not counted in ClinVar's aggregate classification.